The following is an entry in ClinVar:

NM_014956.5(CEP164):c.3050T>G (p.Leu1017Arg)

Gene: CEP164 (centrosomal protein 164; plus strand). Cytogenetic location: 11q23.3.
Variant type: single nucleotide variant.
Coding change: c.3050T>G on transcript NM_014956.5 (MANE Select); coding-DNA position 3050, T replaced by G.
Protein change: p.Leu1017Arg; replaces leucine 1017 with arginine.
Molecular consequence: missense variant.
Genome position (GRCh38, 1-based): chr11:117,395,683, T>G. VCF-style: chr11-117395683-T-G. GRCh37 (hg19) VCF-style: chr11-117266399-T-G.
Other names: c.3059T>G, p.Leu1020Arg (NM_001271933.2); short protein forms L1020R, L1017R.
Identifiers: ClinVar variation 2184643 (VCV002184643.4), dbSNP rs2542142750, ClinGen allele CA382732218.

ClinVar aggregate classification (germline): Uncertain significance (1 of 4 stars; one submission).

Conditions:
Nephronophthisis 15 (NPHP15). Identifiers: Orphanet 3156, MedGen C3541853, MONDO:0013917, OMIM 614845.

Allele frequency attached by ClinVar (database versions not stated): gnomAD exomes below 0.00001.
gnomAD v4.1: 3 of 1,613,196 alleles (0.00019%); highest among the groups gnomAD compares: Non-Finnish European, 0.00025%; no homozygotes.

Submission:

Labcorp Genetics (formerly Invitae), Labcorp
Classification: Uncertain significance for Nephronophthisis 15. Last evaluated: 2022-07-23. Review status: criteria provided, single submitter. Criteria: Invitae Variant Classification Sherloc (09022015). Collection method: clinical testing. Allele origin: germline.
Comment: Algorithms developed to predict the effect of missense changes on protein structure and function are either unavailable or do not agree on the potential impact of this missense change (SIFT: "Tolerated"; PolyPhen-2: "Possibly Damaging"; Align-GVGD: "Class C0"). This variant has not been reported in the literature in individuals affected with CEP164-related conditions. This variant is not present in population databases (gnomAD no frequency). This sequence change replaces leucine, which is neutral and non-polar, with arginine, which is basic and polar, at codon 1017 of the CEP164 protein (p.Leu1017Arg). In summary, the available evidence is currently insufficient to determine the role of this variant in disease. Therefore, it has been classified as a Variant of Uncertain Significance.